The following is an entry in ClinVar:

NM_015338.6(ASXL1):c.4033A>T (p.Met1345Leu)

Gene: ASXL1 (ASXL transcriptional regulator 1; plus strand). Cytogenetic location: 20q11.21.
Variant type: single nucleotide variant.
Coding change: c.4033A>T on transcript NM_015338.6 (MANE Select); coding-DNA position 4033, A replaced by T.
Protein change: p.Met1345Leu; replaces methionine 1345 with leucine.
Molecular consequence: missense variant.
Genome position (GRCh38, 1-based): chr20:32,436,745, A>T. VCF-style: chr20-32436745-A-T. GRCh37 (hg19) VCF-style: chr20-31024548-A-T.
Other names: c.3850A>T, p.Met1284Leu (NM_001363734.1); short protein forms M1345L, M1284L.
Identifiers: ClinVar variation 3710862 (VCV003710862.2).

ClinVar aggregate classification (germline): Uncertain significance (1 of 4 stars; one submission).

Submission:

Labcorp Genetics (formerly Invitae), Labcorp
Classification: Uncertain significance. Last evaluated: 2024-08-12. Review status: criteria provided, single submitter. Criteria: Invitae Variant Classification Sherloc (09022015). Collection method: clinical testing. Allele origin: germline.
Comment: This sequence change replaces methionine, which is neutral and non-polar, with leucine, which is neutral and non-polar, at codon 1345 of the ASXL1 protein (p.Met1345Leu). This variant is present in population databases (rs377173817, gnomAD 0.005%). This variant has not been reported in the literature in individuals affected with ASXL1-related conditions. An algorithm developed to predict the effect of missense changes on protein structure and function outputs the following: PolyPhen-2: "Benign". The leucine amino acid residue is found in multiple mammalian species, which suggests that this missense change does not adversely affect protein function. In summary, the available evidence is currently insufficient to determine the role of this variant in disease. Therefore, it has been classified as a Variant of Uncertain Significance.